The following is an entry in ClinVar:

ClinVar aggregate classification (germline): Uncertain significance. Review status: criteria provided, multiple submitters, no conflicts (2 of 4 stars). 2 submissions from 2 submitters: Uncertain significance (2). Last evaluated 2024-10-16.

Conditions:
Jeune thoracic dystrophy. Also called: Short-rib thoracic dysplasia; Jeune syndrome; Infantile thoracic dystrophy; Thoracic pelvic phalangeal dystrophy; Jeune's syndrome; Chondroectodermal dysplasia-like syndrome. Identifiers: Orphanet 474, MedGen C0265275, MONDO:0018770.

Allele frequency attached by ClinVar (database versions not stated): ExAC below 0.00001; gnomAD exomes 0.00001; TOPMed 0.00001; gnomAD 0.00002.
gnomAD v4.1: 25 of 1,569,468 alleles (0.0016%); highest among the groups gnomAD compares: Non-Finnish European, 0.0012%; no homozygotes.

Submissions (2):

Labcorp Genetics (formerly Invitae), Labcorp
Classification: Uncertain significance for Jeune thoracic dystrophy. Last evaluated: 2024-10-16. Review status: criteria provided, single submitter. Criteria: Invitae Variant Classification Sherloc (09022015). Collection method: clinical testing. Allele origin: germline.
Comment: This sequence change replaces tyrosine, which is neutral and polar, with cysteine, which is neutral and slightly polar, at codon 3837 of the DYNC2H1 protein (p.Tyr3837Cys). This variant is present in population databases (rs757922501, gnomAD 0.005%). This variant has not been reported in the literature in individuals affected with DYNC2H1-related conditions. ClinVar contains an entry for this variant (Variation ID: 435007). Invitae Evidence Modeling of protein sequence and biophysical properties (such as structural, functional, and spatial information, amino acid conservation, physicochemical variation, residue mobility, and thermodynamic stability) indicates that this missense variant is expected to disrupt DYNC2H1 protein function with a positive predictive value of 95%. In summary, the available evidence is currently insufficient to determine the role of this variant in disease. Therefore, it has been classified as a Variant of Uncertain Significance.

Genetic Services Laboratory, University of Chicago
Classification: Uncertain significance. Last evaluated: 2015-11-11. Review status: criteria provided, single submitter. Criteria: ACMG Guidelines, 2015. Collection method: clinical testing. Allele origin: germline. Affected: no.

NM_001377.3(DYNC2H1):c.11489A>G (p.Tyr3830Cys)

Gene: DYNC2H1 (dynein cytoplasmic 2 heavy chain 1; plus strand). Cytogenetic location: 11q22.3.
Variant type: single nucleotide variant.
Coding change: c.11489A>G on transcript NM_001377.3 (MANE Select); coding-DNA position 11489, A replaced by G.
Protein change: p.Tyr3830Cys; replaces tyrosine 3830 with cysteine.
Molecular consequence: missense variant.
Genome position (GRCh38, 1-based): chr11:103,307,827, A>G. VCF-style: chr11-103307827-A-G. GRCh37 (hg19) VCF-style: chr11-103178556-A-G.
Other names: c.11510A>G, p.Tyr3837Cys (NM_001080463.2); short protein forms Y3837C, Y3830C.
Identifiers: ClinVar variation 435007 (VCV000435007.9), dbSNP rs757922501, ClinGen allele CA6255286.